The following is an entry in ClinVar:

NM_003919.3(SGCE):c.1035C>T (p.Gly345=)

Genes: CASD1 (CAS1 domain sialic acid O acetyltransferase 1; plus strand), SGCE (sarcoglycan epsilon; minus strand). Cytogenetic location: 7q21.3.
Variant type: single nucleotide variant.
Coding change: c.1035C>T on transcript NM_003919.3 (MANE Select); coding-DNA position 1035, C replaced by T.
Protein change: p.Gly345=; no amino-acid change (glycine 345 retained).
Molecular consequence: synonymous variant.
Genome position (GRCh38, 1-based): chr7:94,600,648, G>A on the plus strand (C>T on the coding strand, the complement: SGCE is on the minus strand). VCF-style: chr7-94600648-G-A. GRCh37 (hg19) VCF-style: chr7-94229960-G-A.
Other names: c.1035C>T, p.Gly345= (NM_001099400.2, NM_001099401.2, NM_001346717.2); c.912C>T, p.Gly304= (NM_001301139.2, NM_001362809.2); c.1143C>T, p.Gly381= (NM_001346713.2, NM_001346715.2); c.948C>T, p.Gly316= (NM_001346719.2, NM_001362807.2); c.762C>T, p.Gly254= (NM_001346720.2, NM_001362808.2).
Identifiers: ClinVar variation 3709884 (VCV003709884.2).
Genomic context (GRCh38, chr7:94,600,648, plus strand): 5'-TTCTATGTTGTTATCTTAGCAGGATCTCTAATTATCTTATTAGTTTTAAAGTACTCACAC[G>A]CCTTCCCGTCGGCAGCACATGATATAAGCAAGTATTAGAAAAAGGACCAGTGCCACTGCC-3'
Protein context (NP_003910.1, residues 335-355): LAYIMCCRRE[Gly345=]VEKRNMQTPD

ClinVar aggregate classification (germline): Uncertain significance (1 of 4 stars; one submission).

Conditions:
Myoclonic dystonia 11 (DYT11). Also called: Myoclonic dystonia; Dystonia 11; Dystonia, alcohol responsive; Hereditary essential myoclonus; SGCE Myoclonus-Dystonia; Myoclonus-Dystonia. Identifiers: Orphanet 36899, MedGen C1834570, MONDO:0008044, OMIM 159900.

gnomAD v4.1: 1 of 1,609,292 alleles (0.000062%); highest among the groups gnomAD compares: Non-Finnish European, 0.000085%; no homozygotes.

Submission:

Labcorp Genetics (formerly Invitae), Labcorp
Classification: Uncertain significance for Myoclonic dystonia 11. Last evaluated: 2024-12-03. Review status: criteria provided, single submitter. Criteria: Invitae Variant Classification Sherloc (09022015). Collection method: clinical testing. Allele origin: germline.
Comment: This sequence change affects codon 345 of the SGCE mRNA. It is a 'silent' change, meaning that it does not change the encoded amino acid sequence of the SGCE protein. This variant is present in population databases (no rsID available, gnomAD 0.0009%). This variant has not been reported in the literature in individuals affected with SGCE-related conditions. Algorithms developed to predict the effect of sequence changes on RNA splicing suggest that this variant may disrupt the consensus splice site. In summary, the available evidence is currently insufficient to determine the role of this variant in disease. Therefore, it has been classified as a Variant of Uncertain Significance.